The following is an entry in ClinVar:

NM_001382.4(DPAGT1):c.729-4A>C

Gene: DPAGT1 (dolichyl-phosphate N-acetylglucosaminephosphotransferase 1; minus strand). Cytogenetic location: 11q23.3.
Variant type: single nucleotide variant.
Coding change: c.729-4A>C on transcript NM_001382.4 (MANE Select); 4 bases into the intron before coding-DNA position 729, A replaced by C.
Molecular consequence: intron variant.
Genome position (GRCh38, 1-based): chr11:119,098,047, T>G on the plus strand (A>C on the coding strand, the complement: DPAGT1 is on the minus strand). VCF-style: chr11-119098047-T-G. GRCh37 (hg19) VCF-style: chr11-118968757-T-G.
Identifiers: ClinVar variation 386275 (VCV000386275.37), dbSNP rs199873583, ClinGen allele CA6314539.

ClinVar aggregate classification (germline): Conflicting classifications of pathogenicity. Review status: criteria provided, conflicting classifications (1 of 4 stars). 6 submissions from 6 submitters: Uncertain significance (2); Benign (1); Likely benign (2). 1 of the submissions does not count toward it. Last evaluated 2026-01-20.

Conditions:
Inborn genetic diseases. Identifiers: MedGen C0950123, MeSH D030342.
DPAGT1-congenital disorder of glycosylation. Also called: DPAGT1-CDG; CDG Ij; CONGENITAL DISORDER OF GLYCOSYLATION, TYPE Ij. Identifiers: Orphanet 86309, MedGen C2931004, MONDO:0011964, OMIM 608093.
DPAGT1-related disorder. Also called: DPAGT1-related condition.
Congenital myasthenic syndrome 13 (CMS13). Also called: Myasthenic syndrome, congenital, 13, with tubular aggregates; Myasthenic syndrome, congenital, with tubular aggregates 2. Identifiers: Orphanet 353327, Orphanet 590, MedGen C3553645, MONDO:0013883, OMIM 614750.

Allele frequency attached by ClinVar (database versions not stated): gnomAD exomes 0.00038 and 0.00079; gnomAD 0.00041; TOPMed 0.00043; ExAC 0.00056; ESP Exome Variant Server 0.00062.
gnomAD v4.1: 670 of 1,614,024 alleles (0.042%); highest among the groups gnomAD compares: Middle Eastern, 0.17%; 6 homozygotes.

Submissions (6):

Labcorp Genetics (formerly Invitae), Labcorp
Classification: Benign for Congenital myasthenic syndrome 13; DPAGT1-congenital disorder of glycosylation. Last evaluated: 2026-01-20. Review status: criteria provided, single submitter. Criteria: Invitae Variant Classification Sherloc (09022015). Collection method: clinical testing. Allele origin: germline.

CeGaT Center for Human Genetics Tuebingen
Classification: Likely benign. Last evaluated: 2024-04-01. Review status: criteria provided, single submitter. Criteria: CeGaT Center For Human Genetics Tuebingen Variant Classification Criteria Version 2. Collection method: clinical testing. Allele origin: germline. Affected: yes. Observed: 1 variant allele.
Comment: DPAGT1: BP4

Ambry Genetics
Classification: Uncertain significance for Inborn genetic diseases. Last evaluated: 2021-05-24. Review status: criteria provided, single submitter. Criteria: Ambry Variant Classification Scheme 2023. Collection method: clinical testing. Allele origin: germline.
Comment: The c.729-4A>C intronic alteration consists of a A to C substitution 4 nucleotides before coding exon 6 in the DPAGT1 gene. Based on insufficient or conflicting evidence, the clinical significance of this alteration remains unclear.

GeneDx
Classification: Likely benign. Last evaluated: 2017-05-24. Review status: criteria provided, single submitter. Criteria: GeneDx Variant Classification (06012015). Collection method: clinical testing. Allele origin: germline. Affected: yes.
Comment: This variant is considered likely benign or benign based on one or more of the following criteria: it is a conservative change, it occurs at a poorly conserved position in the protein, it is predicted to be benign by multiple in silico algorithms, and/or has population frequency not consistent with disease.

Illumina Laboratory Services, Illumina
Classification: Uncertain significance for DPAGT1-congenital disorder of glycosylation. Last evaluated: 2017-04-27. Review status: criteria provided, single submitter. Criteria: ICSL Variant Classification Criteria 13 December 2019. Collection method: clinical testing. Allele origin: germline.

PreventionGenetics, part of Exact Sciences
Classification: Benign for DPAGT1-related condition. Last evaluated: 2019-09-18. Review status: no assertion criteria provided. Collection method: clinical testing. Allele origin: germline. Not counted in ClinVar's aggregate classification.
Comment: This variant is classified as benign based on ACMG/AMP sequence variant interpretation guidelines (Richards et al. 2015 PMID: 25741868, with internal and published modifications).